The following is an entry in ClinVar:

ClinVar aggregate classification (germline): Uncertain significance (1 of 4 stars; one submission).

Conditions:
Duchenne muscular dystrophy (DMD). Also called: MUSCULAR DYSTROPHY, PSEUDOHYPERTROPHIC PROGRESSIVE, DUCHENNE TYPE; Duchenne Muscular Dystrophy (DMD). Identifiers: Orphanet 98896, MedGen C0013264, MONDO:0010679, OMIM 310200.

Allele frequency attached by ClinVar (database versions not stated): gnomAD exomes below 0.00001; TOPMed below 0.00001; gnomAD 0.00001.
gnomAD v4.1: 6 of 1,208,295 alleles (0.0005%); highest among the groups gnomAD compares: Non-Finnish European, 0.00067%; no homozygotes.

Submission:

Labcorp Genetics (formerly Invitae), Labcorp
Classification: Uncertain significance for Duchenne muscular dystrophy. Last evaluated: 2024-05-06. Review status: criteria provided, single submitter. Criteria: Invitae Variant Classification Sherloc (09022015). Collection method: clinical testing. Allele origin: germline.
Comment: This sequence change replaces glutamine, which is neutral and polar, with lysine, which is basic and polar, at codon 189 of the DMD protein (p.Gln189Lys). This variant is not present in population databases (gnomAD no frequency). This variant has not been reported in the literature in individuals affected with DMD-related conditions. ClinVar contains an entry for this variant (Variation ID: 2071668). Advanced modeling of protein sequence and biophysical properties (such as structural, functional, and spatial information, amino acid conservation, physicochemical variation, residue mobility, and thermodynamic stability) performed at Invitae indicates that this missense variant is not expected to disrupt DMD protein function with a negative predictive value of 95%. In summary, the available evidence is currently insufficient to determine the role of this variant in disease. Therefore, it has been classified as a Variant of Uncertain Significance.

NM_004006.3(DMD):c.565C>A (p.Gln189Lys)

Gene: DMD (dystrophin; minus strand). Cytogenetic location: Xp21.1.
Variant type: single nucleotide variant.
Coding change: c.565C>A on transcript NM_004006.3 (MANE Select); coding-DNA position 565, C replaced by A.
Protein change: p.Gln189Lys; replaces glutamine 189 with lysine.
Molecular consequence: missense variant.
Genome position (GRCh38, 1-based): chrX:32,809,577, G>T on the plus strand (C>A on the coding strand, the complement: DMD is on the minus strand). VCF-style: chrX-32809577-G-T. GRCh37 (hg19) VCF-style: chrX-32827694-G-T.
Other names: c.541C>A, p.Gln181Lys (NM_000109.4); c.553C>A, p.Gln185Lys (NM_004009.3); c.196C>A, p.Gln66Lys (NM_004010.3); short protein forms Q189K, Q181K, Q66K, Q185K.
Identifiers: ClinVar variation 2071668 (VCV002071668.3), dbSNP rs794727861, ClinGen allele CA412673933.
Genomic context (GRCh38, chrX:32,809,577, plus strand): 5'-TGCCTAATTGATATCTGGCGATGTTGAATGCATGTTCCAGTCGTTGTGTGGCTGACTGCT[G>T]GCAAACCACACTATTCCAGTCAAATAGGTCTGGCCTAAAACACATACACATACACACATA-3'
Protein context (NP_003997.2, residues 179-199): DLFDWNSVVC[Gln189Lys]QSATQRLEHA